The following is an entry in ClinVar:

ClinVar aggregate classification (germline): Uncertain significance (1 of 4 stars; one submission).

Allele frequency attached by ClinVar (database versions not stated): ExAC 0.00003.
gnomAD v4.1: 14 of 1,606,006 alleles (0.00087%); highest among the groups gnomAD compares: South Asian, 0.0056%; no homozygotes.

Submission:

Labcorp Genetics (formerly Invitae), Labcorp
Classification: Uncertain significance. Last evaluated: 2022-01-17. Review status: criteria provided, single submitter. Criteria: Invitae Variant Classification Sherloc (09022015). Collection method: clinical testing. Allele origin: germline.
Comment: This sequence change replaces arginine, which is basic and polar, with cysteine, which is neutral and slightly polar, at codon 1215 of the COL18A1 protein (p.Arg1215Cys). The frequency data for this variant in the population databases is considered unreliable, as metrics indicate poor data quality at this position in the gnomAD database. This variant has not been reported in the literature in individuals affected with COL18A1-related conditions. Experimental studies and prediction algorithms are not available or were not evaluated, and the functional significance of this variant is currently unknown. In summary, the available evidence is currently insufficient to determine the role of this variant in disease. Therefore, it has been classified as a Variant of Uncertain Significance.

NM_001379500.1(COL18A1):c.3652C>T (p.Arg1218Cys)

Genes: COL18A1 (collagen type XVIII alpha 1 chain; plus strand), SLC19A1 (solute carrier family 19 member 1; minus strand). Cytogenetic location: 21q22.3.
Variant type: single nucleotide variant.
Coding change: c.3652C>T on transcript NM_001379500.1 (MANE Select); coding-DNA position 3652, C replaced by T.
Protein change: p.Arg1218Cys; replaces arginine 1218 with cysteine.
Molecular consequence: missense variant.
Genome position (GRCh38, 1-based): chr21:45,510,220, C>T. VCF-style: chr21-45510220-C-T. GRCh37 (hg19) VCF-style: chr21-46930134-C-T.
Other names: c.4183C>T, p.Arg1395Cys (NM_030582.4); c.4888C>T, p.Arg1630Cys (NM_130444.3); short protein forms R1395C, R1630C, R1218C.
Identifiers: ClinVar variation 2068466 (VCV002068466.1), dbSNP rs749872988, ClinGen allele CA10067988.